The following is an entry in ClinVar:

NM_005477.3(HCN4):c.112G>A (p.Gly38Arg)

Gene: HCN4 (hyperpolarization activated cyclic nucleotide gated potassium channel 4; minus strand). Cytogenetic location: 15q24.1.
Variant type: single nucleotide variant.
Coding change: c.112G>A on transcript NM_005477.3 (MANE Select); coding-DNA position 112, G replaced by A.
Protein change: p.Gly38Arg; replaces glycine 38 with arginine.
Molecular consequence: missense variant.
Genome position (GRCh38, 1-based): chr15:73,368,159, C>T on the plus strand (G>A on the coding strand, the complement: HCN4 is on the minus strand). VCF-style: chr15-73368159-C-T. GRCh37 (hg19) VCF-style: chr15-73660500-C-T.
Other names: short protein forms G38R.
Identifiers: ClinVar variation 4858301 (VCV004858301.1).

ClinVar aggregate classification (germline): Uncertain significance (1 of 4 stars; one submission).

Conditions:
Cardiovascular phenotype. Identifiers: MedGen CN230736.

Submission:

Ambry Genetics
Classification: Uncertain significance for Cardiovascular phenotype. Last evaluated: 2026-05-14. Review status: criteria provided, single submitter. Criteria: Ambry Variant Classification Scheme 2023. Collection method: clinical testing. Allele origin: germline.
Comment: The p.G38R variant (also known as c.112G>A), located in coding exon 1 of the HCN4 gene, results from a G to A substitution at nucleotide position 112. The glycine at codon 38 is replaced by arginine, an amino acid with dissimilar properties. This amino acid position is conserved. In addition, the in silico prediction for this alteration is inconclusive. Based on the available evidence, the clinical significance of this variant remains unclear.